The following is an entry in ClinVar:

NM_005026.5(PIK3CD):c.1442A>C (p.His481Pro)

Genes: PIK3CD (phosphatidylinositol-4,5-bisphosphate 3-kinase catalytic subunit delta; plus strand), LOC126805612 (MED14-independent group 3 enhancer GRCh37_chr1:9778914-9780113; plus strand). Cytogenetic location: 1p36.22.
Variant type: single nucleotide variant.
Coding change: c.1442A>C on transcript NM_005026.5 (MANE Select); coding-DNA position 1442, A replaced by C.
Protein change: p.His481Pro; replaces histidine 481 with proline.
Molecular consequence: missense variant.
Genome position (GRCh38, 1-based): chr1:9,720,214, A>C. VCF-style: chr1-9720214-A-C. GRCh37 (hg19) VCF-style: chr1-9780272-A-C.
Other names: c.1442A>C, p.His481Pro (NM_001350234.2); c.1355A>C, p.His452Pro (NM_001350235.1); short protein forms H452P, H481P.
Identifiers: ClinVar variation 1996640 (VCV001996640.4), dbSNP rs1344295424, ClinGen allele CA338302878.

ClinVar aggregate classification (germline): Uncertain significance (1 of 4 stars; one submission).

Conditions:
Immunodeficiency 14 (IMD14A). Also called: Activated PI3K Delta Syndrome Type 1 (APDS1); p110-DELTA-ACTIVATING MUTATION CAUSING SENESCENT T CELLS, LYMPHADENOPATHY, AND IMMUNODEFICIENCY; IMMUNODEFICIENCY 14A WITH LYMPHOPROLIFERATION, AUTOSOMAL DOMINANT; ACTIVATED PI3K-DELTA SYNDROME 1. Identifiers: Orphanet 397596, Orphanet 693661, MedGen C5907821, MONDO:0014222, OMIM 615513.

Submission:

Labcorp Genetics (formerly Invitae), Labcorp
Classification: Uncertain significance for Activated PI3K-delta syndrome. Last evaluated: 2022-05-20. Review status: criteria provided, single submitter. Criteria: Invitae Variant Classification Sherloc (09022015). Collection method: clinical testing. Allele origin: germline.
Comment: In summary, the available evidence is currently insufficient to determine the role of this variant in disease. Therefore, it has been classified as a Variant of Uncertain Significance. Algorithms developed to predict the effect of missense changes on protein structure and function (SIFT, PolyPhen-2, Align-GVGD) all suggest that this variant is likely to be tolerated. This variant has not been reported in the literature in individuals affected with PIK3CD-related conditions. This variant is not present in population databases (gnomAD no frequency). This sequence change replaces histidine, which is basic and polar, with proline, which is neutral and non-polar, at codon 481 of the PIK3CD protein (p.His481Pro).